The following is an entry in ClinVar:

NM_006361.6(HOXB13):c.113C>A (p.Ala38Glu)

Gene: HOXB13 (homeobox B13; minus strand). Cytogenetic location: 17q21.32.
Variant type: single nucleotide variant.
Coding change: c.113C>A on transcript NM_006361.6 (MANE Select); coding-DNA position 113, C replaced by A.
Protein change: p.Ala38Glu; replaces alanine 38 with glutamic acid.
Molecular consequence: missense variant.
Genome position (GRCh38, 1-based): chr17:48,728,481, G>T on the plus strand (C>A on the coding strand, the complement: HOXB13 is on the minus strand). VCF-style: chr17-48728481-G-T. GRCh37 (hg19) VCF-style: chr17-46805843-G-T.
Other names: short protein forms A38E.
Identifiers: ClinVar variation 483514 (VCV000483514.17), dbSNP rs587780160, ClinGen allele CA8634061.
Genomic context (GRCh38, chr17:48,728,481, plus strand): 5'-TCCGCCGAGCCTGGCAGATCCAAGGGGGCATAGTTGACAGCAGGCATCAGCGTAGGCGCC[G>T]CTGGGTGGCTGGTCAGAGGGGAGTGGGCGACCAGATTCCGCCCCCCTCCCGCTCCCAGCA-3'
Protein context (NP_006352.2, residues 28-48): VAHSPLTSHP[Ala38Glu]APTLMPAVNY

ClinVar aggregate classification (germline): Uncertain significance. Review status: criteria provided, multiple submitters, no conflicts (2 of 4 stars). 3 submissions from 3 submitters: Uncertain significance (3). Last evaluated 2025-12-09.

Conditions:
Hereditary cancer-predisposing syndrome. Also called: Neoplastic Syndromes, Hereditary; Tumor predisposition; Hereditary Cancer Syndrome; Hereditary neoplastic syndrome. Identifiers: Orphanet 140162, MedGen C0027672, MeSH D009386, MONDO:0015356.

Submissions (3):

Labcorp Genetics (formerly Invitae), Labcorp
Classification: Uncertain significance. Last evaluated: 2025-12-09. Review status: criteria provided, single submitter. Criteria: Invitae Variant Classification Sherloc (09022015). Collection method: clinical testing. Allele origin: germline.
Comment: This sequence change replaces alanine, which is neutral and non-polar, with glutamic acid, which is acidic and polar, at codon 38 of the HOXB13 protein (p.Ala38Glu). This variant is present in population databases (rs587780160, gnomAD 0.02%). This variant has not been reported in the literature in individuals affected with HOXB13-related conditions. ClinVar contains an entry for this variant (Variation ID: 483514). An algorithm developed to predict the effect of missense changes on protein structure and function (PolyPhen-2) suggests that this variant is likely to be tolerated. In summary, the available evidence is currently insufficient to determine the role of this variant in disease. Therefore, it has been classified as a Variant of Uncertain Significance.

Ambry Genetics
Classification: Uncertain significance for Hereditary cancer-predisposing syndrome. Last evaluated: 2025-04-16. Review status: criteria provided, single submitter. Criteria: Ambry Variant Classification Scheme 2023. Collection method: clinical testing. Allele origin: germline.
Comment: The p.A38E variant (also known as c.113C>A), located in coding exon 1 of the HOXB13 gene, results from a C to A substitution at nucleotide position 113. The alanine at codon 38 is replaced by glutamic acid, an amino acid with dissimilar properties. This amino acid position is well conserved in available vertebrate species. In addition, the in silico prediction for this alteration is inconclusive. Since supporting evidence is limited at this time, the clinical significance of this alteration remains unclear.

GeneDx
Classification: Uncertain significance. Last evaluated: 2024-10-28. Review status: criteria provided, single submitter. Criteria: GeneDx Variant Classification Process June 2021. Collection method: clinical testing. Allele origin: germline. Affected: yes.
Comment: Not observed at significant frequency in large population cohorts (gnomAD); In silico analysis indicates that this missense variant does not alter protein structure/function; Has not been previously published as pathogenic or benign to our knowledge